The following is an entry in ClinVar:

ClinVar aggregate classification (germline): Uncertain significance. Review status: criteria provided, multiple submitters, no conflicts (2 of 4 stars). 3 submissions from 3 submitters: Uncertain significance (3). Last evaluated 2025-09-05.

Conditions:
Parathyroid carcinoma (PRTC). Also called: CDC73-Related Parathyroid Carcinoma; Parathyroid gland carcinoma. Identifiers: Orphanet 143, MedGen C0687150, MONDO:0012004, OMIM 608266, HP:0006780.
Hereditary cancer-predisposing syndrome. Also called: Neoplastic Syndromes, Hereditary; Hereditary Cancer Syndrome; Hereditary neoplastic syndrome; Tumor predisposition. Identifiers: Orphanet 140162, MedGen C0027672, MeSH D009386, MONDO:0015356.

Allele frequency attached by ClinVar (database versions not stated): gnomAD exomes below 0.00001; ExAC 0.00001; gnomAD 0.00001; TOPMed 0.00001.
gnomAD v4.1: 3 of 1,612,616 alleles (0.00019%); highest among the groups gnomAD compares: Non-Finnish European, 0.00025%; no homozygotes.

Submissions (3):

Labcorp Genetics (formerly Invitae), Labcorp
Classification: Uncertain significance for Parathyroid carcinoma. Last evaluated: 2025-09-05. Review status: criteria provided, single submitter. Criteria: Invitae Variant Classification Sherloc (09022015). Collection method: clinical testing. Allele origin: germline.
Comment: This sequence change replaces proline, which is neutral and non-polar, with arginine, which is basic and polar, at codon 269 of the CDC73 protein (p.Pro269Arg). This variant is present in population databases (rs370333081, gnomAD 0.0009%). This variant has not been reported in the literature in individuals affected with CDC73-related conditions. ClinVar contains an entry for this variant (Variation ID: 462769). Invitae Evidence Modeling of protein sequence and biophysical properties (such as structural, functional, and spatial information, amino acid conservation, physicochemical variation, residue mobility, and thermodynamic stability) indicates that this missense variant is not expected to disrupt CDC73 protein function with a negative predictive value of 80%. In summary, the available evidence is currently insufficient to determine the role of this variant in disease. Therefore, it has been classified as a Variant of Uncertain Significance.

Ambry Genetics
Classification: Uncertain significance for Hereditary cancer-predisposing syndrome. Last evaluated: 2024-12-20. Review status: criteria provided, single submitter. Criteria: Ambry Variant Classification Scheme 2023. Collection method: clinical testing. Allele origin: germline.
Comment: The p.P269R variant (also known as c.806C>G), located in coding exon 8 of the CDC73 gene, results from a C to G substitution at nucleotide position 806. The proline at codon 269 is replaced by arginine, an amino acid with dissimilar properties. This amino acid position is well conserved in available vertebrate species. In addition, this alteration is predicted to be tolerated by in silico analysis. Since supporting evidence is limited at this time, the clinical significance of this alteration remains unclear.

GeneDx
Classification: Uncertain significance. Last evaluated: 2023-10-09. Review status: criteria provided, single submitter. Criteria: GeneDx Variant Classification Process June 2021. Collection method: clinical testing. Allele origin: germline. Affected: yes.
Comment: Not observed at significant frequency in large population cohorts (gnomAD); In silico analysis supports that this missense variant has a deleterious effect on protein structure/function; Has not been previously published as pathogenic or benign to our knowledge; Located in the critical domain interacting with Set1-like complex (Rbbp5 and Ash2L) and binding to hPaf1 complex (Rozenblatt-Rosen et al., 2005); This variant is associated with the following publications: (PMID: 15632063)

NM_024529.5(CDC73):c.806C>G (p.Pro269Arg)

Gene: CDC73 (cell division cycle 73; plus strand). Cytogenetic location: 1q31.2.
Variant type: single nucleotide variant.
Coding change: c.806C>G on transcript NM_024529.5 (MANE Select); coding-DNA position 806, C replaced by G.
Protein change: p.Pro269Arg; replaces proline 269 with arginine.
Molecular consequence: missense variant.
Genome position (GRCh38, 1-based): chr1:193,147,943, C>G. VCF-style: chr1-193147943-C-G. GRCh37 (hg19) VCF-style: chr1-193117073-C-G.
Other names: short protein forms P269R.
Identifiers: ClinVar variation 462769 (VCV000462769.14), dbSNP rs370333081, ClinGen allele CA1303463.